The following is an entry in ClinVar:

NM_001145809.2(MYH14):c.5995C>A (p.Arg1999Ser)

Gene: MYH14 (myosin heavy chain 14; plus strand). Cytogenetic location: 19q13.33.
Variant type: single nucleotide variant.
Coding change: c.5995C>A on transcript NM_001145809.2 (MANE Select); coding-DNA position 5995, C replaced by A.
Protein change: p.Arg1999Ser; replaces arginine 1999 with serine.
Molecular consequence: missense variant.
Genome position (GRCh38, 1-based): chr19:50,309,674, C>A. VCF-style: chr19-50309674-C-A. GRCh37 (hg19) VCF-style: chr19-50812931-C-A.
Other names: c.5896C>A, p.Arg1966Ser (NM_001077186.2); c.5872C>A, p.Arg1958Ser (NM_024729.4); short protein forms R1958S, R1966S, R1999S.
Identifiers: ClinVar variation 667268 (VCV000667268.4), dbSNP rs1375906074, ClinGen allele CA406965981.
Genomic context (GRCh38, chr19:50,309,674, plus strand): 5'-TGTATCCTGGTCTCTCCTCCCCACAGACGCGGCCCCCTCACCTTCACCACCCGCACGGTG[C>A]GCCAGGTCTTCCGACTAGAGGAGGGCGTGGCATCCGACGAGGAGGCAGAGGAAGCACAGC-3'
Protein context (NP_001139281.1, residues 1989-2009): GPLTFTTRTV[Arg1999Ser]QVFRLEEGVA

ClinVar aggregate classification (germline): Uncertain significance (1 of 4 stars; one submission).

gnomAD v4.1: 15 of 1,610,600 alleles (0.00093%); highest among the groups gnomAD compares: African/African-American, 0.0013%; no homozygotes.

Submission:

Laboratory for Molecular Medicine, Mass General Brigham Personalized Medicine
Classification: Uncertain significance. Last evaluated: 2018-09-06. Review status: criteria provided, single submitter. Criteria: LMM Criteria. Collection method: clinical testing. Allele origin: germline. Observed: 1 variant allele.
Comment: The p.Arg1999Ser variant in MYH14 has not been previously reported in individual s with hearing loss and was absent from large population studies. Computational prediction tools and conservation analysis suggest that the p.Arg1999Ser variant may not impact the protein, though this information is not predictive enough to rule out pathogenicity. In summary, the clinical significance of the p.Arg1999S er variant is uncertain. ACMG/AMP Criteria applied: BP4, PM2.